The following is an entry in ClinVar:

ClinVar aggregate classification (germline): Uncertain significance (1 of 4 stars; one submission).

Conditions:
Inborn genetic diseases. Identifiers: MedGen C0950123, MeSH D030342.

Submission:

Ambry Genetics
Classification: Uncertain significance for Inborn genetic diseases. Last evaluated: 2024-02-12. Review status: criteria provided, single submitter. Criteria: Ambry Variant Classification Scheme 2023. Collection method: clinical testing. Allele origin: germline.
Comment: The p.L202V variant (also known as c.604T>G), located in coding exon 4 of the ATR gene, results from a T to G substitution at nucleotide position 604. The leucine at codon 202 is replaced by valine, an amino acid with highly similar properties. This amino acid position is conserved. In addition, this alteration is predicted to be tolerated by in silico analysis. Based on the available evidence, the clinical significance of this alteration remains unclear.

NM_001184.4(ATR):c.604T>G (p.Leu202Val)

Gene: ATR (ATR checkpoint kinase; minus strand). Cytogenetic location: 3q23.
Variant type: single nucleotide variant.
Coding change: c.604T>G on transcript NM_001184.4 (MANE Select); coding-DNA position 604, T replaced by G.
Protein change: p.Leu202Val; replaces leucine 202 with valine.
Molecular consequence: missense variant.
Genome position (GRCh38, 1-based): chr3:142,562,798, A>C on the plus strand (T>G on the coding strand, the complement: ATR is on the minus strand). VCF-style: chr3-142562798-A-C. GRCh37 (hg19) VCF-style: chr3-142281640-A-C.
Other names: c.604T>G, p.Leu202Val (NM_001354579.2); short protein forms L202V.
Identifiers: ClinVar variation 3221237 (VCV003221237.1), dbSNP rs2108488125, ClinGen allele CA354826293.